The following is an entry in ClinVar:

NM_021023.6(CFHR3):c.841_842del (p.Lys281fs)

Gene: CFHR3 (complement factor H related 3; plus strand). Cytogenetic location: 1q31.3.
Variant type: Deletion.
Coding change: c.841_842del on transcript NM_021023.6 (MANE Select); coding-DNA positions 841 to 842, 2 bases deleted (AA; older notation c.841_842delAA).
Protein change: p.Lys281fs; shifts the reading frame from lysine 281.
Molecular consequence: frameshift variant.
Genome position (GRCh38, 1-based): chr1:196,793,361-196,793,362, AA deleted; deleting any 2 consecutive bases within chr1:196,793,360-196,793,362 gives the same sequence; the c. name uses the placement nearest the transcript's 3' end. VCF-style (leftmost placement, unchanged base first): chr1-196793359-TAA-T. GRCh37 (hg19) VCF-style: chr1-196762489-TAA-T.
Other names: c.658_659del, p.Lys220fs (NM_001166624.2); short protein forms K220fs, K281fs.
Identifiers: ClinVar variation 1723337 (VCV001723337.1), dbSNP rs745327793, ClinGen allele CA1306304.
Genomic context (GRCh38, chr1:196,793,359, plus strand): 5'-GTTTTTTTCTGCTTTCAGATCCATGTATAATAACTGAAGAAAACATGAATAAAAATAACA[TAA>T]AGTTAAAAGGAAGAAGTGACAGAAAATATTATGCAAAAACAGGGGATACCATTGAATTTA-3'

ClinVar aggregate classification (germline): Uncertain significance (1 of 4 stars; one submission).

Submission:

Women's Health and Genetics/Laboratory Corporation of America, LabCorp
Classification: Uncertain significance. Last evaluated: 2022-10-18. Review status: criteria provided, single submitter. Criteria: LabCorp Variant Classification Summary - May 2015. Collection method: clinical testing. Allele origin: germline.
Comment: Variant summary: CFHR3 c.841_842delAA (p.Lys281ValfsX6) results in a premature termination codon, predicted to cause a truncation of the encoded protein or absence of the protein due to nonsense mediated decay. No truncations downstream of this position have been classified as pathogenic. The variant allele was found at a frequency of 4.2e-06 in 237704 control chromosomes (gnomAD). The available data on variant occurrences in the general population are insufficient to allow any conclusion about variant significance. To our knowledge, no occurrence of c.841_842delAA in individuals affected with Genetic Atypical Hemolytic Uremic Syndrome and no experimental evidence demonstrating its impact on protein function have been reported. No clinical diagnostic laboratories have submitted clinical-significance assessments for this variant to ClinVar after 2014. Based on the evidence outlined above, the variant was classified as uncertain significance.